The following is an entry in ClinVar:

ClinVar aggregate classification (germline): Uncertain significance (1 of 4 stars; one submission).

gnomAD v4.1: 1 of 1,611,520 alleles (0.000062%); highest among the groups gnomAD compares: Non-Finnish European, 0.000085%; no homozygotes.

Submission:

CeGaT Center for Human Genetics Tuebingen
Classification: Uncertain significance. Last evaluated: 2024-10-01. Review status: criteria provided, single submitter. Criteria: CeGaT Center For Human Genetics Tuebingen Variant Classification Criteria Version 2. Collection method: clinical testing. Allele origin: germline. Affected: yes. Observed: 1 variant allele.
Comment: AUTS2: PM2, BP1

NM_015570.4(AUTS2):c.184C>A (p.Pro62Thr)

Gene: AUTS2 (activator of transcription and developmental regulator AUTS2; plus strand). Cytogenetic location: 7q11.22.
Variant type: single nucleotide variant.
Coding change: c.184C>A on transcript NM_015570.4 (MANE Select); coding-DNA position 184, C replaced by A.
Protein change: p.Pro62Thr; replaces proline 62 with threonine.
Molecular consequence: missense variant.
Genome position (GRCh38, 1-based): chr7:69,599,837, C>A. VCF-style: chr7-69599837-C-A. GRCh37 (hg19) VCF-style: chr7-69064823-C-A.
Other names: c.184C>A, p.Pro62Thr (NM_001127231.3, NM_001127232.3); short protein forms P62T.
Identifiers: ClinVar variation 3389509 (VCV003389509.14).